The following is an entry in ClinVar:

NM_080680.3(COL11A2):c.4652G>A (p.Arg1551Gln)

Gene: COL11A2 (collagen type XI alpha 2 chain; minus strand). Cytogenetic location: 6p21.32.
Variant type: single nucleotide variant.
Coding change: c.4652G>A on transcript NM_080680.3 (MANE Select); coding-DNA position 4652, G replaced by A.
Protein change: p.Arg1551Gln; replaces arginine 1551 with glutamine.
Molecular consequence: missense variant.
Genome position (GRCh38, 1-based): chr6:33,165,647, C>T on the plus strand (G>A on the coding strand, the complement: COL11A2 is on the minus strand). VCF-style: chr6-33165647-C-T. GRCh37 (hg19) VCF-style: chr6-33133424-C-T.
Other names: c.4331G>A, p.Arg1444Gln (NM_080679.3); c.4394G>A, p.Arg1465Gln (NM_080681.3); short protein forms R1551Q, R1465Q, R1444Q.
Identifiers: ClinVar variation 198337 (VCV000198337.71), dbSNP rs145343609, ClinGen allele CA246924.

ClinVar aggregate classification (germline): Conflicting classifications of pathogenicity. Review status: criteria provided, conflicting classifications (1 of 4 stars). 10 submissions from 9 submitters: Uncertain significance (6); Likely benign (4). Last evaluated 2026-01-17.

Conditions:
COL11A2-related disorder. Also called: COL11A2-related condition; COL11A2-related disorders.
Fibrochondrogenesis 2 (FBCG2). Identifiers: Orphanet 2021, MedGen C3281128, MONDO:0013795, OMIM 614524.
Otospondylomegaepiphyseal dysplasia, autosomal recessive (OSMEDB). Also called: Insley-Astley syndrome; CHONDRODYSTROPHY WITH SENSORINEURAL DEAFNESS. Identifiers: Orphanet 1427, MedGen CN034493, MONDO:0044206, OMIM 215150.

Allele frequency attached by ClinVar (database versions not stated): 1000 Genomes Project 30x 0.00016; 1000 Genomes Project 0.00020; gnomAD exomes 0.00049 and 0.00114; ExAC 0.00058; TOPMed 0.00063; ESP Exome Variant Server 0.00069; gnomAD 0.00074 and 0.00077.
gnomAD v4.1: 1,758 of 1,612,628 alleles (0.11%); highest among the groups gnomAD compares: Non-Finnish European, 0.14%; 3 homozygotes.

Submissions (10):

Labcorp Genetics (formerly Invitae), Labcorp
Classification: Likely benign. Last evaluated: 2026-01-17. Review status: criteria provided, single submitter. Criteria: Invitae Variant Classification Sherloc (09022015). Collection method: clinical testing. Allele origin: germline.

PreventionGenetics, part of Exact Sciences
Classification: Uncertain significance for COL11A2-related condition. Last evaluated: 2026-01-12. Review status: criteria provided, single submitter. Criteria: ACMG Guidelines, 2015. Collection method: clinical testing. Allele origin: germline.
Comment: The COL11A2 c.4652G>A variant is predicted to result in the amino acid substitution p.Arg1551Gln. To our knowledge, this variant has not been reported in the literature. This variant is reported in 0.099% of alleles in individuals of European (Non-Finnish) descent in gnomAD. Although we suspect that this variant may be benign, at this time, the clinical significance of this variant is uncertain due to the absence of conclusive functional and genetic evidence.

GeneDx
Classification: Uncertain significance. Last evaluated: 2025-08-22. Review status: criteria provided, single submitter. Criteria: GeneDx Variant Classification Process June 2021. Collection method: clinical testing. Allele origin: germline. Affected: yes.
Comment: Has not been previously published as pathogenic or benign to our knowledge; In silico analysis suggests that this missense variant does not alter protein structure/function; In silico analysis suggests this variant may impact gene splicing. In the absence of RNA/functional studies, the actual effect of this sequence change is unknown.

Blueprint Genetics
Classification: Likely benign. Last evaluated: 2024-10-16. Review status: criteria provided, single submitter. Criteria: ACMG Guidelines, 2015. Collection method: clinical testing. Allele origin: germline.

Revvity Omics, Revvity
Classification: Uncertain significance. Last evaluated: 2021-06-30. Review status: criteria provided, single submitter. Criteria: ACMG Guidelines, 2015. Collection method: clinical testing. Allele origin: germline.

CeGaT Center for Human Genetics Tuebingen
Classification: Uncertain significance. Last evaluated: 2019-03-01. Review status: criteria provided, single submitter. Criteria: CeGaT Center For Human Genetics Tuebingen Variant Classification Criteria Version 2. Collection method: clinical testing. Allele origin: germline. Affected: yes. Observed: 2 variant alleles.

Eurofins Ntd Llc (ga)
Classification: Uncertain significance. Last evaluated: 2017-10-13. Review status: criteria provided, single submitter. Criteria: EGL Classification Definitions 2015. Collection method: clinical testing. Allele origin: germline. Observed: 2 variant alleles, 2 heterozygotes.

Illumina Laboratory Services, Illumina
Classification: Likely benign for Fibrochondrogenesis 2. Last evaluated: 2017-04-27. Review status: criteria provided, single submitter. Criteria: ICSL Variant Classification Criteria 13 December 2019. Collection method: clinical testing. Allele origin: germline.
Comment: This variant was observed as part of a predisposition screen in an ostensibly healthy population. A literature search was performed for the gene, cDNA change, and amino acid change (where applicable). No publications were found based on this search. Allele frequency data from public databases allowed determination this variant is unlikely to cause disease. Therefore, this variant is classified as likely benign.

Illumina Laboratory Services, Illumina
Classification: Likely benign for Otospondylomegaepiphyseal dysplasia, autosomal recessive. Last evaluated: 2017-04-27. Review status: criteria provided, single submitter. Criteria: ICSL Variant Classification Criteria 13 December 2019. Collection method: clinical testing. Allele origin: germline.
Comment: the same text as in the submission from Illumina Laboratory Services, Illumina above.

Laboratory for Molecular Medicine, Mass General Brigham Personalized Medicine
Classification: Uncertain significance. Last evaluated: 2017-03-20. Review status: criteria provided, single submitter. Criteria: LMM Criteria. Collection method: clinical testing. Allele origin: germline. Observed: 2 variant alleles.
Comment: Variant classified as Uncertain Significance - Favor Benign. It has also been reported in ClinVar (Variation ID# 198337) as likely benign or of uncertain significance. This variant has been identified in 0.1% (6 7/66340) of European chromosomes by the Exome Aggregation Consortium (ExAC; dbSNP rs145343609). Although this variant has been s een in the general population, its frequency is not high enough to rule out a pa thogenic role. Arginine (Arg) at position 1551 is not conserved in 1 mammal (ten rec) or evolutionarily distant species, supporting that a change at this positio n may be tolerated. Computational prediction tools do not provide strong support for or against an impact to the protein; however, splice prediction tools do su ggest an impact to splicing. In summary, while the clinical significance of the p.Arg1551Gln variant is uncertain, the frequency and conservation data suggest i t is more likely to be benign.